The following is an entry in ClinVar:

NM_006164.5(NFE2L2):c.779C>G (p.Thr260Arg)

Gene: NFE2L2 (NFE2 like bZIP transcription factor 2; minus strand). Cytogenetic location: 2q31.2.
Variant type: single nucleotide variant.
Coding change: c.779C>G on transcript NM_006164.5 (MANE Select); coding-DNA position 779, C replaced by G.
Protein change: p.Thr260Arg; replaces threonine 260 with arginine.
Molecular consequence: missense variant.
Genome position (GRCh38, 1-based): chr2:177,231,824, G>C on the plus strand (C>G on the coding strand, the complement: NFE2L2 is on the minus strand). VCF-style: chr2-177231824-G-C. GRCh37 (hg19) VCF-style: chr2-178096552-G-C.
Other names: c.731C>G, p.Thr244Arg (NM_001145412.3, NM_001313900.1, NM_001313901.1); c.710C>G, p.Thr237Arg (NM_001145413.3); c.689C>G, p.Thr230Arg (NM_001313902.2); c.560C>G, p.Thr187Arg (NM_001313903.2); c.479C>G, p.Thr160Arg (NM_001313904.1); short protein forms T187R, T230R, T244R, T260R, T160R, T237R.
Identifiers: ClinVar variation 2533563 (VCV002533563.5), dbSNP rs776472261, ClinGen allele CA1979798.

ClinVar aggregate classification (germline): Uncertain significance. Review status: criteria provided, multiple submitters, no conflicts (2 of 4 stars). 2 submissions from 2 submitters: Uncertain significance (2). Last evaluated 2025-07-06.

Allele frequency attached by ClinVar (database versions not stated): gnomAD 0.00001; TOPMed 0.00003.
gnomAD v4.1: 14 of 1,614,080 alleles (0.00087%); highest among the groups gnomAD compares: East Asian, 0.029%; no homozygotes.

Submissions (2):

Labcorp Genetics (formerly Invitae), Labcorp
Classification: Uncertain significance. Last evaluated: 2025-07-06. Review status: criteria provided, single submitter. Criteria: Invitae Variant Classification Sherloc (09022015). Collection method: clinical testing. Allele origin: germline.
Comment: This sequence change replaces threonine, which is neutral and polar, with arginine, which is basic and polar, at codon 260 of the NFE2L2 protein (p.Thr260Arg). This variant is present in population databases (rs776472261, gnomAD 0.06%). This variant has not been reported in the literature in individuals affected with NFE2L2-related conditions. ClinVar contains an entry for this variant (Variation ID: 2533563). Invitae Evidence Modeling of protein sequence and biophysical properties (such as structural, functional, and spatial information, amino acid conservation, physicochemical variation, residue mobility, and thermodynamic stability) indicates that this missense variant is not expected to disrupt NFE2L2 protein function with a negative predictive value of 80%. In summary, the available evidence is currently insufficient to determine the role of this variant in disease. Therefore, it has been classified as a Variant of Uncertain Significance.

Ambry Genetics
Classification: Uncertain significance. Last evaluated: 2025-05-07. Review status: criteria provided, single submitter. Criteria: Ambry Variant Classification Scheme 2023. Collection method: clinical testing. Allele origin: germline.